The following is an entry in ClinVar:

NM_000135.4(FANCA):c.4260+1dup

Genes: FANCA (FA complementation group A; minus strand), ZNF276 (zinc finger protein 276; plus strand). Cytogenetic location: 16q24.3.
Variant type: Duplication.
Coding change: c.4260+1dup on transcript NM_000135.4 (MANE Select); the canonical splice donor site of the intron after coding-DNA position 4260, one base duplicated (G; older notation c.4260+1dupG).
Molecular consequence: splice donor variant. On other transcripts: 3 prime UTR variant (2), non-coding transcript variant (4).
Genome position (GRCh38, 1-based): chr16:89,738,881, C duplicated on the plus strand (G on the coding strand, the reverse complement: FANCA is on the minus strand); the first of 2 consecutive C bases (chr16:89,738,881-89,738,882); duplicating either gives the same sequence. VCF-style (leftmost placement, unchanged base first): chr16-89738880-A-AC. GRCh37 (hg19) VCF-style: chr16-89805288-A-AC.
Other names: c.*636dup (NM_001113525.2, NM_152287.4); c.4264+1dup (NM_001286167.3); c.4260+1dupG (NM_000135.2).
Identifiers: ClinVar variation 557362 (VCV000557362.9), dbSNP rs1555532944, ClinGen allele CA658824229.

ClinVar aggregate classification (germline): Pathogenic/Likely pathogenic. Review status: criteria provided, multiple submitters, no conflicts (2 of 4 stars). 3 submissions from 3 submitters: Pathogenic (1); Likely pathogenic (1). 1 of the submissions does not count toward it. Last evaluated 2025-04-28.

Conditions:
Fanconi anemia (FA). Also called: Fanconi's anemia. Identifiers: Orphanet 84, MedGen C0015625, MeSH D005199, MONDO:0019391.
Fanconi anemia complementation group A (FANCA). Also called: Fanconi anemia, group A; FANCA-Related Fanconi Anemia. Identifiers: Orphanet 84, MedGen C3469521, MONDO:0009215, OMIM 227650.

Submissions (3):

Labcorp Genetics (formerly Invitae), Labcorp
Classification: Pathogenic for Fanconi anemia. Last evaluated: 2025-04-28. Review status: criteria provided, single submitter. Criteria: Invitae Variant Classification Sherloc (09022015). Collection method: clinical testing. Allele origin: germline.
Comment: This sequence change creates a premature translational stop signal (p.Leu1421Alafs*4) in the FANCA gene. While this is not anticipated to result in nonsense mediated decay, it is expected to disrupt the last 35 amino acid(s) of the FANCA protein. This variant is not present in population databases (gnomAD no frequency). This variant has not been reported in the literature in individuals affected with FANCA-related conditions. ClinVar contains an entry for this variant (Variation ID: 557362). Algorithms developed to predict the effect of sequence changes on RNA splicing suggest that this variant may disrupt the consensus splice site. This variant disrupts a region of the FANCA protein in which other variant(s) (p.Asp1427Thrfs*6) have been determined to be pathogenic (PMID: 11091222). This suggests that this is a clinically significant region of the protein, and that variants that disrupt it are likely to be disease-causing. For these reasons, this variant has been classified as Pathogenic.

Baylor Genetics
Classification: Likely pathogenic for Fanconi anemia complementation group A. Last evaluated: 2022-02-03. Review status: criteria provided, single submitter. Criteria: ACMG Guidelines, 2015. Collection method: clinical testing. Allele origin: unknown.

Counsyl
Classification: Likely pathogenic for Fanconi anemia complementation group A. Last evaluated: 2018-03-21. Review status: no assertion criteria provided. Collection method: clinical testing. Allele origin: unknown. Not counted in ClinVar's aggregate classification.

Literature cited by the submitters: PubMed 11091222 (cited by Labcorp Genetics (formerly Invitae), Labcorp).